The following is an entry in ClinVar:

ClinVar aggregate classification (germline): Pathogenic. Review status: criteria provided, single submitter (1 of 4 stars). 2 submissions from 2 submitters: Pathogenic (1). 1 of the submissions does not count toward it. Last evaluated 2023-05-04.

Conditions:
Familial adenomatous polyposis 1 (FAP1). Also called: FAMILIAL ADENOMATOUS POLYPOSIS 1, ATTENUATED; POLYPOSIS, ADENOMATOUS INTESTINAL. Identifiers: MedGen C2713442, MONDO:0021056, OMIM 175100. Disease mechanism: loss of function.

Submissions (2):

Myriad Genetics, Inc.
Classification: Pathogenic for Familial adenomatous polyposis 1. Last evaluated: 2023-05-04. Review status: criteria provided, single submitter. Criteria: Myriad Autosomal Dominant, Autosomal Recessive and X-Linked Classification Criteria (2023). Collection method: clinical testing. Allele origin: unknown.
Comment: This variant is considered pathogenic. This variant creates a frameshift predicted to result in premature protein truncation.

Mayo Clinic Laboratories, Mayo Clinic
Classification: Likely pathogenic. Review status: no assertion criteria provided. Collection method: clinical testing. Allele origin: unknown. Not counted in ClinVar's aggregate classification.

NM_000038.6(APC):c.2343del (p.Lys782fs)

Gene: APC (APC regulator of Wnt signaling pathway; plus strand). Cytogenetic location: 5q22.2.
Variant type: Deletion.
Coding change: c.2343del on transcript NM_000038.6 (MANE Select); coding-DNA position 2343, one base deleted (C; older notation c.2343delC).
Protein change: p.Lys782fs; shifts the reading frame from lysine 782.
Molecular consequence: frameshift variant.
Genome position (GRCh38, 1-based): chr5:112,837,937, C deleted; the last of 3 consecutive C bases (chr5:112,837,935-112,837,937); deleting any one gives the same sequence. VCF-style (leftmost placement, unchanged base first): chr5-112837934-TC-T. GRCh37 (hg19) VCF-style: chr5-112173631-TC-T.
Other names: c.2343del, p.Lys782fs (NM_001127510.3, NM_001354895.2); c.2289del, p.Lys764fs (NM_001127511.3); c.2397del, p.Lys800fs (NM_001354896.2); c.2373del, p.Lys792fs (NM_001354897.2); c.2268del, p.Lys757fs (NM_001354898.2); c.2259del, p.Lys754fs (NM_001354899.2); c.2220del, p.Lys741fs (NM_001354900.2); c.2166del, p.Lys723fs (NM_001354901.2); and 5 more; short protein forms K691fs, K757fs, K499fs, K656fs, K754fs, K782fs, K800fs, K723fs.
Identifiers: ClinVar variation 492658 (VCV000492658.7), dbSNP rs1554084080, ClinGen allele CA445963379.